The following is an entry in ClinVar:

NM_001943.5(DSG2):c.2324A>G (p.Tyr775Cys)

Genes: DSG2-AS1 (DSG2 antisense RNA 1; minus strand), DSG2 (desmoglein 2; plus strand). Cytogenetic location: 18q12.1.
Variant type: single nucleotide variant.
Coding change: c.2324A>G on transcript NM_001943.5 (MANE Select); coding-DNA position 2324, A replaced by G.
Protein change: p.Tyr775Cys; replaces tyrosine 775 with cysteine.
Molecular consequence: missense variant.
Genome position (GRCh38, 1-based): chr18:31,542,842, A>G. VCF-style: chr18-31542842-A-G. GRCh37 (hg19) VCF-style: chr18-29122805-A-G.
Other names: short protein forms Y775C.
Identifiers: ClinVar variation 3777581 (VCV003777581.1).

ClinVar aggregate classification (germline): Uncertain significance (1 of 4 stars; one submission).

Submission:

GeneDx
Classification: Uncertain significance. Last evaluated: 2024-10-09. Review status: criteria provided, single submitter. Criteria: GeneDx Variant Classification Process June 2021. Collection method: clinical testing. Allele origin: germline. Affected: yes.
Comment: Not observed at significant frequency in large population cohorts (gnomAD); In silico analysis supports that this missense variant has a deleterious effect on protein structure/function; Has not been previously published as pathogenic or benign to our knowledge